The following is an entry in ClinVar:

NM_000540.3(RYR1):c.9020A>G (p.Asn3007Ser)

Gene: RYR1 (ryanodine receptor 1; plus strand). Cytogenetic location: 19q13.2.
Variant type: single nucleotide variant.
Coding change: c.9020A>G on transcript NM_000540.3 (MANE Select); coding-DNA position 9020, A replaced by G.
Protein change: p.Asn3007Ser; replaces asparagine 3007 with serine.
Molecular consequence: missense variant.
Genome position (GRCh38, 1-based): chr19:38,510,679, A>G. VCF-style: chr19-38510679-A-G. GRCh37 (hg19) VCF-style: chr19-39001319-A-G.
Other names: c.9020A>G, p.Asn3007Ser (NM_001042723.2); short protein forms N3007S.
Identifiers: ClinVar variation 3075095 (VCV003075095.1), dbSNP rs1263831859, ClinGen allele CA405683617.

ClinVar aggregate classification (germline): Uncertain significance (1 of 4 stars; one submission).

Conditions:
Malignant hyperthermia, susceptibility to, 1 (MHS1). Also called: Anesthesia related hyperthermia; Malignant hyperpyrexia; Fulminating hyperpyrexia; Pharmacogenic myopathy; RYR1-Related Malignant Hyperthermia Susceptibility; Malignant hyperthermia suceptibility 1. Identifiers: Orphanet 423, MedGen C2930980, MONDO:0007783, OMIM 145600.

Allele frequency attached by ClinVar (database versions not stated): gnomAD exomes below 0.00001; TOPMed below 0.00001; gnomAD 0.00001.
gnomAD v4.1: 2 of 1,614,020 alleles (0.00012%); highest among the groups gnomAD compares: African/African-American, 0.0013%; no homozygotes.

Submission:

All of Us Research Program, National Institutes of Health
Classification: Uncertain significance for Malignant hyperthermia, susceptibility to, 1. Last evaluated: 2023-12-18. Review status: criteria provided, single submitter. Criteria: ACMG Guidelines, 2015. Collection method: clinical testing. Allele origin: germline. Inheritance: Autosomal dominant inheritance. Observed: 1 variant allele, 1 heterozygote.
Comment: This missense variant replaces asparagine with serine at codon 3007 of the RYR1 protein. Computational prediction suggests that this variant may not impact protein structure and function (internally defined REVEL score threshold <= 0.5, PMID: 27666373). To our knowledge, functional studies have not been reported for this variant. This variant has not been reported in individuals affected with RYR1-related disorders in the literature. This variant has not been identified in the general population by the Genome Aggregation Database (gnomAD). The available evidence is insufficient to determine the role of this variant in disease conclusively. Therefore, this variant is classified as a Variant of Uncertain Significance.

This study involves interpretation of variants in research participants for the purpose of population health screening. Participant phenotype was not available at the time of variant classification. Additional details can be found in publication PMID: 35346344, PMCID: PMC8962531